The following is an entry in ClinVar:

ClinVar aggregate classification (germline): Uncertain significance (1 of 4 stars; one submission).

Submission:

Ambry Genetics
Classification: Uncertain significance. Last evaluated: 2024-06-04. Review status: criteria provided, single submitter. Criteria: Ambry Variant Classification Scheme 2023. Collection method: clinical testing. Allele origin: germline.
Comment: The p.S379C variant (also known as c.1135A>T), located in coding exon 3 of the ALPK2 gene, results from an A to T substitution at nucleotide position 1135. The serine at codon 379 is replaced by cysteine, an amino acid with dissimilar properties. This amino acid position is conserved. In addition, this alteration is predicted to be tolerated by in silico analysis. Based on the available evidence, the clinical significance of this variant remains unclear.

NM_052947.4(ALPK2):c.1135A>T (p.Ser379Cys)

Genes: ALPK2 (alpha kinase 2; minus strand), LOC114803473 (ALPK2 eExon liver enhancer; plus strand). Cytogenetic location: 18q21.31.
Variant type: single nucleotide variant.
Coding change: c.1135A>T on transcript NM_052947.4 (MANE Select); coding-DNA position 1135, A replaced by T.
Protein change: p.Ser379Cys; replaces serine 379 with cysteine.
Molecular consequence: missense variant.
Genome position (GRCh38, 1-based): chr18:58,579,641, T>A on the plus strand (A>T on the coding strand, the complement: ALPK2 is on the minus strand). VCF-style: chr18-58579641-T-A. GRCh37 (hg19) VCF-style: chr18-56246873-T-A.
Other names: short protein forms S379C.
Identifiers: ClinVar variation 3290632 (VCV003290632.1).